The following is an entry in ClinVar:

NM_000548.5(TSC2):c.2354_2355insC (p.Gln785fs)

Gene: TSC2 (TSC complex subunit 2; plus strand). Cytogenetic location: 16p13.3.
Variant type: Insertion.
Coding change: c.2354_2355insC on transcript NM_000548.5 (MANE Select); coding-DNA positions 2354 to 2355, C inserted.
Protein change: p.Gln785fs; shifts the reading frame from glutamine 785.
Molecular consequence: frameshift variant.
Genome position: GRCh38 VCF-style: chr16-2072982-A-AC. GRCh37 (hg19) VCF-style: chr16-2122983-A-AC.
Other names: c.2354_2355insC, p.Gln785fs (NM_001077183.3, NM_001114382.3, NM_001363528.2 and 3 more transcripts); c.2243_2244insC, p.Gln748fs (NM_001318827.2); c.2207_2208insC, p.Gln736fs (NM_001318829.2); c.1754_1755insC, p.Gln585fs (NM_001318831.2); c.2387_2388insC, p.Gln796fs (NM_001318832.2); short protein forms Q785fs, Q796fs, Q585fs, Q736fs, Q748fs.
Identifiers: ClinVar variation 664197 (VCV000664197.6), dbSNP rs1596350698, ClinGen allele CA915946279.

ClinVar aggregate classification (germline): Pathogenic (1 of 4 stars; one submission).

Conditions:
Tuberous sclerosis 2 (TSC2). Identifiers: Orphanet 805, MedGen C1860707, MONDO:0013199, OMIM 613254.

Submission:

Labcorp Genetics (formerly Invitae), Labcorp
Classification: Pathogenic for Tuberous sclerosis 2. Last evaluated: 2018-10-21. Review status: criteria provided, single submitter. Criteria: Invitae Variant Classification Sherloc (09022015). Collection method: clinical testing. Allele origin: germline.
Comment: This variant is not present in population databases (ExAC no frequency). This sequence change creates a premature translational stop signal (p.Gln785Hisfs*33) in the TSC2 gene. It is expected to result in an absent or disrupted protein product. This variant has not been reported in the literature in individuals with TSC2-related disease. For these reasons, this variant has been classified as Pathogenic. Loss-of-function variants in TSC2 are known to be pathogenic (PMID: 10205261, 17304050).

Literature cited by the submitters: PubMed 10205261; PubMed 17304050.